The following is an entry in ClinVar:

ClinVar aggregate classification (germline): Uncertain significance (1 of 4 stars; one submission).

Submission:

GeneDx
Classification: Uncertain significance. Last evaluated: 2020-10-30. Review status: criteria provided, single submitter. Criteria: GeneDx Variant Classification Process June 2021. Collection method: clinical testing. Allele origin: germline. Affected: yes.
Comment: Not observed in large population cohorts (Lek et al., 2016); In silico analysis supports that this missense variant has a deleterious effect on protein structure/function; Has not been previously published as pathogenic or benign to our knowledge; A different missense change at this residue (P112L) has been reported in the published literature in an individual with esophageal dysfunction, sensorineural hearing loss, craniofacial dysmorphisms, hypotonia, and intellectual disability (Dennert et al., 2017).

NM_003106.4(SOX2):c.334C>A (p.Pro112Thr)

Genes: SOX2 (SRY-box transcription factor 2; plus strand), SOX2-OT (SOX2 overlapping transcript; plus strand), LOC108281177 (SOX2 5' regulatory region; plus strand). Cytogenetic location: 3q26.33.
Variant type: single nucleotide variant.
Coding change: c.334C>A on transcript NM_003106.4 (MANE Select); coding-DNA position 334, C replaced by A.
Protein change: p.Pro112Thr; replaces proline 112 with threonine.
Molecular consequence: missense variant.
Genome position (GRCh38, 1-based): chr3:181,712,694, C>A. VCF-style: chr3-181712694-C-A. GRCh37 (hg19) VCF-style: chr3-181430482-C-A.
Other names: short protein forms P112T.
Identifiers: ClinVar variation 1313635 (VCV001313635.2), dbSNP rs1553862987, ClinGen allele CA355473654.
Genomic context (GRCh38, chr3:181,712,694, plus strand): 5'-GACGAGGCTAAGCGGCTGCGAGCGCTGCACATGAAGGAGCACCCGGATTATAAATACCGG[C>A]CCCGGCGGAAAACCAAGACGCTCATGAAGAAGGATAAGTACACGCTGCCCGGCGGGCTGC-3'
Protein context (NP_003097.1, residues 102-122): MKEHPDYKYR[Pro112Thr]RRKTKTLMKK